The following is an entry in ClinVar:

ClinVar aggregate classification (germline): Benign. Review status: criteria provided, multiple submitters, no conflicts (2 of 4 stars). 2 submissions from 2 submitters: Benign (2). Last evaluated 2018-06-29.

Allele frequency attached by ClinVar (database versions not stated): 1000 Genomes Project 30x 0.76499; TOPMed 0.76956; gnomAD 0.77660 and 0.78951; 1000 Genomes Project 0.77995.
gnomAD v4.1: 120,379 of 152,092 alleles (79%); highest among the groups gnomAD compares: East Asian, 100%; 52,774 homozygotes.

Submissions (2):

GeneDx
Classification: Benign. Last evaluated: 2018-06-29. Review status: criteria provided, single submitter. Criteria: GeneDx Variant Classification Process June 2021. Collection method: clinical testing. Allele origin: germline. Affected: yes.
Comment: This variant is associated with the following publications: (PMID: 20124285)

Breakthrough Genomics
Classification: Benign. Review status: criteria provided, single submitter. Criteria: ACMG Guidelines, 2015. Collection method: not provided. Allele origin: germline. Inheritance: Autosomal dominant inheritance. Affected: yes.

NM_002473.6(MYH9):c.2977-159C>A

Gene: MYH9 (myosin heavy chain 9; minus strand). Cytogenetic location: 22q12.3.
Variant type: single nucleotide variant.
Coding change: c.2977-159C>A on transcript NM_002473.6 (MANE Select); 159 bases into the intron before coding-DNA position 2977, C replaced by A.
Molecular consequence: intron variant.
Genome position (GRCh38, 1-based): chr22:36,299,201, G>T on the plus strand (C>A on the coding strand, the complement: MYH9 is on the minus strand). VCF-style: chr22-36299201-G-T. GRCh37 (hg19) VCF-style: chr22-36695247-G-T.
Identifiers: ClinVar variation 1265122 (VCV001265122.3), dbSNP rs4821480, ClinGen allele CA14967828.